The following is an entry in ClinVar:

ClinVar aggregate classification (germline): Uncertain significance (1 of 4 stars; one submission).

gnomAD v4.1: 5 of 1,614,150 alleles (0.00031%); highest among the groups gnomAD compares: East Asian, 0.0045%; no homozygotes.

Submission:

Labcorp Genetics (formerly Invitae), Labcorp
Classification: Uncertain significance. Last evaluated: 2022-03-29. Review status: criteria provided, single submitter. Criteria: Invitae Variant Classification Sherloc (09022015). Collection method: clinical testing. Allele origin: germline.
Comment: This sequence change replaces aspartic acid, which is acidic and polar, with glutamic acid, which is acidic and polar, at codon 898 of the TCF20 protein (p.Asp898Glu). In summary, the available evidence is currently insufficient to determine the role of this variant in disease. Therefore, it has been classified as a Variant of Uncertain Significance. Algorithms developed to predict the effect of missense changes on protein structure and function output the following: SIFT: "Tolerated"; PolyPhen-2: "Benign"; Align-GVGD: "Class C0". The glutamic acid amino acid residue is found in multiple mammalian species, which suggests that this missense change does not adversely affect protein function. This variant has not been reported in the literature in individuals affected with TCF20-related conditions. This variant is present in population databases (no rsID available, gnomAD 0.006%).

NM_001378418.1(TCF20):c.2694C>A (p.Asp898Glu)

Gene: TCF20 (transcription factor 20; minus strand). Cytogenetic location: 22q13.2.
Variant type: single nucleotide variant.
Coding change: c.2694C>A on transcript NM_001378418.1 (MANE Select); coding-DNA position 2694, C replaced by A.
Protein change: p.Asp898Glu; replaces aspartic acid 898 with glutamic acid.
Molecular consequence: missense variant.
Genome position (GRCh38, 1-based): chr22:42,212,612, G>T on the plus strand (C>A on the coding strand, the complement: TCF20 is on the minus strand). VCF-style: chr22-42212612-G-T. GRCh37 (hg19) VCF-style: chr22-42608618-G-T.
Other names: c.2694C>A, p.Asp898Glu (NM_005650.4, NM_181492.3); short protein forms D898E.
Identifiers: ClinVar variation 1937124 (VCV001937124.5), dbSNP rs776091004, ClinGen allele CA411788094.